The following is an entry in ClinVar:

NM_002024.6(FMR1):c.1256A>G (p.Tyr419Cys)

Gene: FMR1 (fragile X messenger ribonucleoprotein 1; plus strand). Cytogenetic location: Xq27.3.
Variant type: single nucleotide variant.
Coding change: c.1256A>G on transcript NM_002024.6 (MANE Select); coding-DNA position 1256, A replaced by G.
Protein change: p.Tyr419Cys; replaces tyrosine 419 with cysteine.
Molecular consequence: missense variant. On other transcripts: non-coding transcript variant (2).
Genome position (GRCh38, 1-based): chrX:147,940,643, A>G. VCF-style: chrX-147940643-A-G. GRCh37 (hg19) VCF-style: chrX-147022162-A-G.
Other names: c.1256A>G, p.Tyr419Cys (NM_001185075.2); c.1193A>G, p.Tyr398Cys (NM_001185076.2, NM_001185081.2, NM_001185082.2); short protein forms Y419C, Y398C.
Identifiers: ClinVar variation 372871 (VCV000372871.1), dbSNP rs1057518038, ClinGen allele CA16043179.

ClinVar aggregate classification (germline): Likely pathogenic (1 of 4 stars; one submission).

Submission:

GeneDx
Classification: Likely pathogenic. Last evaluated: 2016-01-28. Review status: criteria provided, single submitter. Criteria: GeneDx Variant Classification (06012015). Collection method: clinical testing. Allele origin: germline. Affected: yes.
Comment: The Y419C variant in the FMR1 gene has not been reported previously as a pathogenic variant, nor as a benign variant, to our knowledge. The Y419C variant was not observed in approximately 6500 individuals of European and African American ancestry in the NHLBI Exome Sequencing Project, indicating it is not a common benign variant in these populations. The Y419C variant is a non-conservative amino acid substitution, which is likely to impact secondary protein structure as these residues differ in polarity, charge, size and/or other properties. This substitution occurs at a position that is conserved across species. In silico analysis predicts this variant is probably damaging to the protein structure/function. The Y419C variant is a strong candidate for a pathogenic variant.